The following is an entry in ClinVar:

NM_003072.5(SMARCA4):c.827C>T (p.Pro276Leu)

Gene: SMARCA4 (SWI/SNF related BAF chromatin remodeling complex subunit ATPase 4; plus strand). Cytogenetic location: 19p13.2.
Variant type: single nucleotide variant.
Coding change: c.827C>T on transcript NM_003072.5 (MANE Select); coding-DNA position 827, C replaced by T.
Protein change: p.Pro276Leu; replaces proline 276 with leucine.
Molecular consequence: missense variant. On other transcripts: non-coding transcript variant (1).
Genome position (GRCh38, 1-based): chr19:10,986,971, C>T. VCF-style: chr19-10986971-C-T. GRCh37 (hg19) VCF-style: chr19-11097647-C-T.
Other names: c.827C>T, p.Pro276Leu (NM_001128844.3, NM_001128845.2, NM_001128846.2 and 5 more transcripts); c.827C>T (NM_001128849.1); short protein forms P276L.
Identifiers: ClinVar variation 1358432 (VCV001358432.9), dbSNP rs2145797391, ClinGen allele CA404058081.

ClinVar aggregate classification (germline): Uncertain significance. Review status: criteria provided, multiple submitters, no conflicts (2 of 4 stars). 2 submissions from 2 submitters: Uncertain significance (2). Last evaluated 2026-07-07.

Conditions:
Hereditary cancer-predisposing syndrome. Also called: Hereditary Cancer Syndrome; Neoplastic Syndromes, Hereditary; Hereditary neoplastic syndrome; Tumor predisposition. Identifiers: Orphanet 140162, MedGen C0027672, MeSH D009386, MONDO:0015356.
Rhabdoid tumor predisposition syndrome 2 (RTPS2). Identifiers: Orphanet 231108, Orphanet 69077, MedGen C2750074, MONDO:0013224, OMIM 613325.

Allele frequency attached by ClinVar (database versions not stated): gnomAD exomes below 0.00001.

Submissions (2):

Ambry Genetics
Classification: Uncertain significance for Hereditary cancer-predisposing syndrome. Last evaluated: 2026-07-07. Review status: criteria provided, single submitter. Criteria: Ambry Variant Classification Scheme 2023. Collection method: clinical testing. Allele origin: germline.
Comment: The p.P276L variant (also known as c.827C>T), located in coding exon 4 of the SMARCA4 gene, results from a C to T substitution at nucleotide position 827. The proline at codon 276 is replaced by leucine, an amino acid with similar properties. This amino acid position is conserved. In addition, the in silico prediction for this alteration is inconclusive. Based on the available evidence, the clinical significance of this variant remains unclear.

Labcorp Genetics (formerly Invitae), Labcorp
Classification: Uncertain significance for Rhabdoid tumor predisposition syndrome 2. Last evaluated: 2021-07-21. Review status: criteria provided, single submitter. Criteria: Invitae Variant Classification Sherloc (09022015). Collection method: clinical testing. Allele origin: germline.
Comment: This sequence change replaces proline with leucine at codon 276 of the SMARCA4 protein (p.Pro276Leu). The proline residue is highly conserved and there is a moderate physicochemical difference between proline and leucine. This variant is not present in population databases (ExAC no frequency). This variant has not been reported in the literature in individuals affected with SMARCA4-related conditions. Algorithms developed to predict the effect of missense changes on protein structure and function are either unavailable or do not agree on the potential impact of this missense change (SIFT: "Deleterious"; PolyPhen-2: "Benign"; Align-GVGD: "Class C15"). In summary, the available evidence is currently insufficient to determine the role of this variant in disease. Therefore, it has been classified as a Variant of Uncertain Significance.